The following is an entry in ClinVar:

NC_012920.1(MT-ND1):m.3569C>T

Gene: MT-ND1 (mitochondrially encoded NADH dehydrogenase 1; plus strand).
Variant type: single nucleotide variant.
Genome position: chrM-3569-C-T.
Identifiers: ClinVar variation 692372 (VCV000692372.1), dbSNP rs1603219022, ClinGen allele CA414773056.

ClinVar aggregate classification (germline): Uncertain significance (1 of 4 stars; one submission).

Conditions:
Leigh syndrome (NULS). Also called: Leigh's necrotizing encephalopathy; Leigh's disease; Leigh Syndrome (mtDNA deletion); Leigh Disease; Subacute necrotizing encephalopathy; Necrotizing encephalopathy infantile subacute of Leigh. Identifiers: Orphanet 506, MedGen C2931891, MONDO:0009723, OMIM 256000.

Submission:

Wong Mito Lab, Molecular and Human Genetics, Baylor College of Medicine
Classification: Uncertain significance for Leigh syndrome. Last evaluated: 2019-10-17. Review status: criteria provided, single submitter. Criteria: Modified ACMG Guidelines (Unpublished). Collection method: clinical testing. Allele origin: germline.
Comment: The NC_012920.1:m.3569C>T (YP_003024026.1:p.Pro88Leu) variant in MTND1 gene is interpretated to be a Uncertain Significance variant based on the modified ACMG guidelines (unpublished). This variant meets the following evidence codes: PP7